The following is an entry in ClinVar:

NM_000465.4(BARD1):c.448C>G (p.Arg150Gly)

Gene: BARD1 (BRCA1 associated RING domain 1; minus strand). Cytogenetic location: 2q35.
Variant type: single nucleotide variant.
Coding change: c.448C>G on transcript NM_000465.4 (MANE Select); coding-DNA position 448, C replaced by G.
Protein change: p.Arg150Gly; replaces arginine 150 with glycine.
Molecular consequence: missense variant. On other transcripts: non-coding transcript variant (2), intron variant (3).
Genome position (GRCh38, 1-based): chr2:214,781,426, G>C on the plus strand (C>G on the coding strand, the complement: BARD1 is on the minus strand). VCF-style: chr2-214781426-G-C. GRCh37 (hg19) VCF-style: chr2-215646150-G-C.
Other names: c.391C>G, p.Arg131Gly (NM_001282543.2); c.158+27986C>G (NM_001282548.2); c.215+15635C>G (NM_001282545.2); c.364+10871C>G (NM_001282549.2); short protein forms R150G, R131G.
Identifiers: ClinVar variation 489673 (VCV000489673.14), dbSNP rs730881411, ClinGen allele CA350457717.

ClinVar aggregate classification (germline): Uncertain significance. Review status: criteria provided, multiple submitters, no conflicts (2 of 4 stars). 2 submissions from 2 submitters: Uncertain significance (2). Last evaluated 2021-04-08.

Conditions:
Hereditary cancer-predisposing syndrome. Also called: Hereditary Cancer Syndrome; Neoplastic Syndromes, Hereditary; Tumor predisposition; Hereditary neoplastic syndrome. Identifiers: Orphanet 140162, MedGen C0027672, MeSH D009386, MONDO:0015356.
Familial cancer of breast. Also called: Hereditary breast cancer; BREAST CANCER, FAMILIAL; hereditary breast carcinoma. Identifiers: Orphanet 227535, MedGen C0346153, MONDO:0016419, OMIM 114480. Disease mechanism: loss of function.

gnomAD v4.1: 1 of 1,613,314 alleles (0.000062%); highest among the groups gnomAD compares: Non-Finnish European, 0.000085%; no homozygotes.

Submissions (2):

Labcorp Genetics (formerly Invitae), Labcorp
Classification: Uncertain significance for Familial cancer of breast. Last evaluated: 2021-04-08. Review status: criteria provided, single submitter. Criteria: Invitae Variant Classification Sherloc (09022015). Collection method: clinical testing. Allele origin: germline.
Comment: In summary, the available evidence is currently insufficient to determine the role of this variant in disease. Therefore, it has been classified as a Variant of Uncertain Significance. Algorithms developed to predict the effect of missense changes on protein structure and function (SIFT, PolyPhen-2, Align-GVGD) all suggest that this variant is likely to be disruptive, but these predictions have not been confirmed by published functional studies and their clinical significance is uncertain. This variant has not been reported in the literature in individuals with BARD1-related disease. ClinVar contains an entry for this variant (Variation ID: 489673). This variant is not present in population databases (ExAC no frequency). This sequence change replaces arginine with glycine at codon 150 of the BARD1 protein (p.Arg150Gly). The arginine residue is highly conserved and there is a moderate physicochemical difference between arginine and glycine.

Color Diagnostics, LLC DBA Color Health
Classification: Uncertain significance for Hereditary cancer-predisposing syndrome. Last evaluated: 2019-02-24. Review status: criteria provided, single submitter. Criteria: ACMG Guidelines, 2015. Collection method: clinical testing. Allele origin: germline.